The following is an entry in ClinVar:

NM_003049.4(SLC10A1):c.573G>C (p.Gly191=)

Gene: SLC10A1 (solute carrier family 10 member 1; minus strand). Cytogenetic location: 14q24.1.
Variant type: single nucleotide variant.
Coding change: c.573G>C on transcript NM_003049.4 (MANE Select); coding-DNA position 573, G replaced by C.
Protein change: p.Gly191=; no amino-acid change (glycine 191 retained).
Molecular consequence: synonymous variant.
Genome position (GRCh38, 1-based): chr14:69,779,355, C>G on the plus strand (G>C on the coding strand, the complement: SLC10A1 is on the minus strand). VCF-style: chr14-69779355-C-G. GRCh37 (hg19) VCF-style: chr14-70246072-C-G.
Other names: c.573G>C (NM_003049.3).
Identifiers: ClinVar variation 596943 (VCV000596943.7), dbSNP rs200693940, ClinGen allele CA7246091.

ClinVar aggregate classification (germline): Uncertain significance. Review status: criteria provided, single submitter (1 of 4 stars). 2 submissions from 2 submitters: Uncertain significance (1). 1 of the submissions does not count toward it. Last evaluated 2018-04-24.

Conditions:
SLC10A1-related disorder. Also called: SLC10A1-related condition.

Allele frequency attached by ClinVar (database versions not stated): 1000 Genomes Project 30x 0.00016; 1000 Genomes Project 0.00020; TOPMed 0.00020; gnomAD 0.00026 and 0.00027; ExAC 0.00036.

Submissions (2):

Eurofins Ntd Llc (ga)
Classification: Uncertain significance. Last evaluated: 2018-04-24. Review status: criteria provided, single submitter. Criteria: EGL ClinVar v180209 classification definitions. Collection method: clinical testing. Allele origin: germline. Observed: 1 variant allele, 1 heterozygote.

PreventionGenetics, part of Exact Sciences
Classification: Likely benign for SLC10A1-related condition. Last evaluated: 2022-04-26. Review status: no assertion criteria provided. Collection method: clinical testing. Allele origin: germline. Not counted in ClinVar's aggregate classification.
Comment: This variant is classified as likely benign based on ACMG/AMP sequence variant interpretation guidelines (Richards et al. 2015 PMID: 25741868, with internal and published modifications).